The following is an entry in ClinVar:

ClinVar aggregate classification (germline): Conflicting classifications of pathogenicity. Review status: criteria provided, conflicting classifications (1 of 4 stars). 2 submissions from 2 submitters: Uncertain significance (1); Likely benign (1). Last evaluated 2026-09-01.

Conditions:
Symmetrical dyschromatosis of extremities (DSH). Also called: DYSCHROMATOSIS SYMMETRICA HEREDITARIA 1; RETICULATE ACROPIGMENTATION OF DOHI; SYMMETRIC DYSCHROMATOSIS OF THE EXTREMITIES; Dyschromatosis symmetrica hereditaria. Identifiers: Orphanet 41, MedGen C0406775, MONDO:0007483, OMIM 127400.
Aicardi-Goutieres syndrome 6 (AGS6). Identifiers: Orphanet 51, MedGen C3539013, MONDO:0014007, OMIM 615010.

gnomAD v4.1: 1 of 1,614,230 alleles (0.000062%); highest among the groups gnomAD compares: Non-Finnish European, 0.000085%; no homozygotes.

Submissions (2):

CeGaT Center for Human Genetics Tuebingen
Classification: Likely benign. Last evaluated: 2026-09-01. Review status: criteria provided, single submitter. Criteria: CeGaT Center For Human Genetics Tuebingen Variant Classification Criteria Version 2. Collection method: clinical testing. Allele origin: germline. Affected: yes. Observed: 1 variant allele.
Comment: ADAR: BP4

Labcorp Genetics (formerly Invitae), Labcorp
Classification: Uncertain significance for Aicardi-Goutieres syndrome 6; Symmetrical dyschromatosis of extremities. Last evaluated: 2025-08-25. Review status: criteria provided, single submitter. Criteria: Invitae Variant Classification Sherloc (09022015). Collection method: clinical testing. Allele origin: germline.
Comment: This sequence change replaces tyrosine, which is neutral and polar, with cysteine, which is neutral and slightly polar, at codon 306 of the ADAR protein (p.Tyr306Cys). This variant is not present in population databases (gnomAD no frequency). This variant has not been reported in the literature in individuals affected with ADAR-related conditions. Invitae Evidence Modeling of protein sequence and biophysical properties (such as structural, functional, and spatial information, amino acid conservation, physicochemical variation, residue mobility, and thermodynamic stability) indicates that this missense variant is not expected to disrupt ADAR protein function with a negative predictive value of 80%. In summary, the available evidence is currently insufficient to determine the role of this variant in disease. Therefore, it has been classified as a Variant of Uncertain Significance.

NM_001111.5(ADAR):c.917A>G (p.Tyr306Cys)

Gene: ADAR (adenosine deaminase RNA specific; minus strand). Cytogenetic location: 1q21.3.
Variant type: single nucleotide variant.
Coding change: c.917A>G on transcript NM_001111.5 (MANE Select); coding-DNA position 917, A replaced by G.
Protein change: p.Tyr306Cys; replaces tyrosine 306 with cysteine.
Molecular consequence: missense variant.
Genome position (GRCh38, 1-based): chr1:154,601,725, T>C on the plus strand (A>G on the coding strand, the complement: ADAR is on the minus strand). VCF-style: chr1-154601725-T-C. GRCh37 (hg19) VCF-style: chr1-154574201-T-C.
Other names: c.32A>G, p.Tyr11Cys (NM_001025107.3, NM_001193495.2, NM_001365046.1 and 3 more transcripts); c.944A>G, p.Tyr315Cys (NM_001365045.1); c.917A>G, p.Tyr306Cys (NM_015840.4, NM_015841.4); short protein forms Y306C, Y11C, Y315C.
Identifiers: ClinVar variation 4794227 (VCV004794227.2).
Genomic context (GRCh38, chr1:154,601,725, plus strand): 5'-TTGGTAAGGCCAATATTTTTAGCCAAATTCAGGGCAGAGGAGTCAGACACATTGAAGAGA[T>C]AGTCGCAGATTTTCTCCTTGATCTCGGCCATGTCTAAAAACTCAAGAGGATCTTCCAAGG-3'
Protein context (NP_001102.3, residues 296-316): MAEIKEKICD[Tyr306Cys]LFNVSDSSAL